The following is an entry in ClinVar:

ClinVar aggregate classification (germline): Uncertain significance. Review status: criteria provided, multiple submitters, no conflicts (2 of 4 stars). 4 submissions from 4 submitters: Uncertain significance (4). Last evaluated 2026-06-09.

Conditions:
CYP27A1-related disorder. Also called: CYP27A1-related condition.
Cholestanol storage disease (CTX). Also called: CTX: Cerebrotendinous xanthomatosis; CEREBRAL CHOLESTERINOSIS; Cerebrotendinous Xanthomatosis. Identifiers: Orphanet 909, MedGen C0238052, MONDO:0008948, OMIM 213700.
Cardiovascular phenotype. Identifiers: MedGen CN230736.

Allele frequency attached by ClinVar (database versions not stated): TOPMed 0.00001; gnomAD 0.00003 and 0.00004; ExAC 0.00004; gnomAD exomes 0.00004; 1000 Genomes Project 30x 0.00016; 1000 Genomes Project 0.00020.
gnomAD v4.1: 31 of 1,614,206 alleles (0.0019%); highest among the groups gnomAD compares: East Asian, 0.0089%; no homozygotes.

Submissions (4):

PreventionGenetics, part of Exact Sciences
Classification: Uncertain significance for CYP27A1-related condition. Last evaluated: 2026-06-09. Review status: criteria provided, single submitter. Criteria: ACMG Guidelines, 2015. Collection method: clinical testing. Allele origin: germline.
Comment: The CYP27A1 c.809G>A variant is predicted to result in the amino acid substitution p.Arg270Gln. To our knowledge, this variant has not been reported in the literature. This variant is reported in 0.020% of alleles in individuals of East Asian descent in gnomAD. At this time, the clinical significance of this variant is uncertain due to the absence of conclusive functional and genetic evidence.

Ambry Genetics
Classification: Uncertain significance for Cardiovascular phenotype. Last evaluated: 2024-01-11. Review status: criteria provided, single submitter. Criteria: Ambry Variant Classification Scheme 2023. Collection method: clinical testing. Allele origin: germline.
Comment: The p.R270Q variant (also known as c.809G>A), located in coding exon 4 of the CYP27A1 gene, results from a G to A substitution at nucleotide position 809. The arginine at codon 270 is replaced by glutamine, an amino acid with highly similar properties. This amino acid position is conserved. In addition, this alteration is predicted to be tolerated by in silico analysis. Since supporting evidence is limited at this time, the clinical significance of this alteration remains unclear.

Labcorp Genetics (formerly Invitae), Labcorp
Classification: Uncertain significance for Cholestanol storage disease. Last evaluated: 2022-07-31. Review status: criteria provided, single submitter. Criteria: Invitae Variant Classification Sherloc (09022015). Collection method: clinical testing. Allele origin: germline.
Comment: This sequence change replaces arginine, which is basic and polar, with glutamine, which is neutral and polar, at codon 270 of the CYP27A1 protein (p.Arg270Gln). This variant is present in population databases (rs556715266, gnomAD 0.02%). This variant has not been reported in the literature in individuals affected with CYP27A1-related conditions. ClinVar contains an entry for this variant (Variation ID: 502608). Advanced modeling of protein sequence and biophysical properties (such as structural, functional, and spatial information, amino acid conservation, physicochemical variation, residue mobility, and thermodynamic stability) performed at Invitae indicates that this missense variant is not expected to disrupt CYP27A1 protein function. In summary, the available evidence is currently insufficient to determine the role of this variant in disease. Therefore, it has been classified as a Variant of Uncertain Significance.

Eurofins Ntd Llc (ga)
Classification: Uncertain significance. Last evaluated: 2017-06-15. Review status: criteria provided, single submitter. Criteria: EGL Classification Definitions 2015. Collection method: clinical testing. Allele origin: germline. Observed: 1 variant allele, 1 heterozygote.

NM_000784.4(CYP27A1):c.809G>A (p.Arg270Gln)

Gene: CYP27A1 (cytochrome P450 family 27 subfamily A member 1; plus strand). Cytogenetic location: 2q35.
Variant type: single nucleotide variant.
Coding change: c.809G>A on transcript NM_000784.4 (MANE Select); coding-DNA position 809, G replaced by A.
Protein change: p.Arg270Gln; replaces arginine 270 with glutamine.
Molecular consequence: missense variant.
Genome position (GRCh38, 1-based): chr2:218,812,714, G>A. VCF-style: chr2-218812714-G-A. GRCh37 (hg19) VCF-style: chr2-219677437-G-A.
Other names: c.809G>A (NM_000784.3); short protein forms R270Q.
Identifiers: ClinVar variation 502608 (VCV000502608.12), dbSNP rs556715266, ClinGen allele CA2112724.